The following is an entry in ClinVar:

NM_005633.4(SOS1):c.5A>G (p.Gln2Arg)

Genes: SOS1 (SOS Ras/Rac guanine nucleotide exchange factor 1; minus strand), LOC129933535 (ATAC-STARR-seq lymphoblastoid silent region 11384; plus strand). Cytogenetic location: 2p22.1.
Variant type: single nucleotide variant.
Coding change: c.5A>G on transcript NM_005633.4 (MANE Select); coding-DNA position 5, A replaced by G.
Protein change: p.Gln2Arg; replaces glutamine 2 with arginine.
Molecular consequence: missense variant. On other transcripts: intron variant (1).
Genome position (GRCh38, 1-based): chr2:39,120,418, T>C on the plus strand (A>G on the coding strand, the complement: SOS1 is on the minus strand). VCF-style: chr2-39120418-T-C. GRCh37 (hg19) VCF-style: chr2-39347559-T-C.
Other names: c.5A>G, p.Gln2Arg (NM_001382395.1); c.66+4246A>G (NM_001382394.1); short protein forms Q2R.
Identifiers: ClinVar variation 4984936 (VCV004984936.1).

ClinVar aggregate classification (germline): Uncertain significance (1 of 4 stars; one submission).

Conditions:
SOS1-related disorder. Also called: SOS1-related condition.

gnomAD v4.1: 3 of 1,587,824 alleles (0.00019%); highest among the groups gnomAD compares: Non-Finnish European, 0.00026%; no homozygotes.

Submission:

PreventionGenetics, part of Exact Sciences
Classification: Uncertain significance for SOS1-related condition. Last evaluated: 2025-10-15. Review status: criteria provided, single submitter. Criteria: ACMG Guidelines, 2015. Collection method: clinical testing. Allele origin: germline.
Comment: The SOS1 c.5A>G variant is predicted to result in the amino acid substitution p.Gln2Arg. To our knowledge, this variant has not been reported in the literature. An alternate missense variant at the same amino acid position has been reported as a de novo finding in an individual with a neurodevelopmental disorder (Supp Data 3, Zhou et al. 2022. PubMed ID: 35982159). The c.5A>G variant is not documented in gnomAD v2. However, in gnomAD v4 (available only on GRCh38), this variant is reported in 3 heterozygous individuals of unknown phenotype in the European (non-Finnish) subpopulation, calling the clinical significance of the p.Gln2Arg variant into question. At this time, the clinical significance of this variant is uncertain due to the absence of conclusive functional and genetic evidence.